The following is an entry in ClinVar:

ClinVar aggregate classification (germline): Uncertain significance. Review status: criteria provided, multiple submitters, no conflicts (2 of 4 stars). 2 submissions from 2 submitters: Uncertain significance (2). Last evaluated 2025-04-08.

Conditions:
Inborn genetic diseases. Identifiers: MedGen C0950123, MeSH D030342.

gnomAD v4.1: 38 of 1,613,810 alleles (0.0024%); highest among the groups gnomAD compares: Non-Finnish European, 0.0031%; no homozygotes.

Submissions (2):

Ambry Genetics
Classification: Uncertain significance for Inborn genetic diseases. Last evaluated: 2025-04-08. Review status: criteria provided, single submitter. Criteria: Ambry Variant Classification Scheme 2023. Collection method: clinical testing. Allele origin: germline.

Labcorp Genetics (formerly Invitae), Labcorp
Classification: Uncertain significance. Last evaluated: 2024-08-08. Review status: criteria provided, single submitter. Criteria: Invitae Variant Classification Sherloc (09022015). Collection method: clinical testing. Allele origin: germline.
Comment: This sequence change replaces valine, which is neutral and non-polar, with leucine, which is neutral and non-polar, at codon 874 of the NFKB1 protein (p.Val874Leu). This variant is present in population databases (no rsID available, gnomAD 0.004%). This variant has not been reported in the literature in individuals affected with NFKB1-related conditions. An algorithm developed to predict the effect of missense changes on protein structure and function outputs the following: PolyPhen-2: "Benign". The leucine amino acid residue is found in multiple mammalian species, which suggests that this missense change does not adversely affect protein function. In summary, the available evidence is currently insufficient to determine the role of this variant in disease. Therefore, it has been classified as a Variant of Uncertain Significance.

NM_003998.4(NFKB1):c.2620G>T (p.Val874Leu)

Gene: NFKB1 (nuclear factor kappa B subunit 1; plus strand). Cytogenetic location: 4q24.
Variant type: single nucleotide variant.
Coding change: c.2620G>T on transcript NM_003998.4 (MANE Select); coding-DNA position 2620, G replaced by T.
Protein change: p.Val874Leu; replaces valine 874 with leucine.
Molecular consequence: missense variant.
Genome position (GRCh38, 1-based): chr4:102,613,452, G>T. VCF-style: chr4-102613452-G-T. GRCh37 (hg19) VCF-style: chr4-103534609-G-T.
Other names: c.2617G>T, p.Val873Leu (NM_001165412.2, NM_001319226.2, NM_001382627.1); c.2620G>T, p.Val874Leu (NM_001382625.1, NM_001382626.1); c.2578G>T, p.Val860Leu (NM_001382628.1); c.2620G>T (NM_003998.3); short protein forms V873L, V874L, V860L.
Identifiers: ClinVar variation 3648320 (VCV003648320.3).